The following is an entry in ClinVar:

ClinVar aggregate classification (germline): Likely benign. Review status: criteria provided, multiple submitters, no conflicts (2 of 4 stars). 2 submissions from 2 submitters: Likely benign (2). Last evaluated 2025-06-04.

Conditions:
Colorectal cancer, susceptibility to, 12 (CRCS12). Also called: COLORECTAL CANCER, SUSCEPTIBILITY TO, ON CHROMOSOME 12q24. Identifiers: Orphanet 220460, MedGen C3554460, MONDO:0014038, OMIM 615083.

Submissions (2):

Labcorp Genetics (formerly Invitae), Labcorp
Classification: Likely benign. Last evaluated: 2025-06-04. Review status: criteria provided, single submitter. Criteria: Invitae Variant Classification Sherloc (09022015). Collection method: clinical testing. Allele origin: germline.

Myriad Genetics, Inc.
Classification: Likely benign for Colorectal cancer, susceptibility to, 12. Last evaluated: 2025-02-10. Review status: criteria provided, single submitter. Criteria: Myriad Autosomal Dominant, Autosomal Recessive and X-Linked Classification Criteria (2023). Collection method: clinical testing. Allele origin: unknown.
Comment: This variant is considered likely benign. This variant is intronic and is not expected to impact mRNA splicing.

NM_006231.4(POLE):c.1021-18G>T

Gene: POLE (DNA polymerase epsilon, catalytic subunit; minus strand). Cytogenetic location: 12q24.33.
Variant type: single nucleotide variant.
Coding change: c.1021-18G>T on transcript NM_006231.4 (MANE Select); 18 bases into the intron before coding-DNA position 1021, G replaced by T.
Molecular consequence: intron variant.
Genome position (GRCh38, 1-based): chr12:132,675,838, C>A on the plus strand (G>T on the coding strand, the complement: POLE is on the minus strand). VCF-style: chr12-132675838-C-A. GRCh37 (hg19) VCF-style: chr12-133252424-C-A.
Identifiers: ClinVar variation 3904306 (VCV003904306.2).